The following is an entry in ClinVar:

ClinVar aggregate classification (germline): Pathogenic (1 of 4 stars; one submission).

Conditions:
Multiple congenital exostosis (EXT). Also called: Multiple exostoses; Hereditary multiple exostoses; Hereditary multiple exostosis; MULTIPLE CARTILAGINOUS EXOSTOSES; Hereditary multiple osteochondromas; Multiple osteochondromas. Identifiers: Orphanet 321, MedGen C0015306, MONDO:0005508, HP:0002762.

Submission:

Labcorp Genetics (formerly Invitae), Labcorp
Classification: Pathogenic for Multiple congenital exostosis. Last evaluated: 2017-11-05. Review status: criteria provided, single submitter. Criteria: Invitae Variant Classification Sherloc (09022015). Collection method: clinical testing. Allele origin: germline.
Comment: This variant is not present in population databases (ExAC no frequency). This sequence change creates a premature translational stop signal (p.Gln179Cysfs*14) in the EXT1 gene. It is expected to result in an absent or disrupted protein product. This variant has not been reported in the literature in individuals with an EXT1-related disease. Loss-of-function variants in EXT1 are known to be pathogenic (PMID: 10679937, 11391482, 19810120). For these reasons, this variant has been classified as Pathogenic.

Literature cited by the submitters: PubMed 10679937; PubMed 11391482; PubMed 19810120.

NM_000127.3(EXT1):c.533_534dup (p.Gln179fs)

Gene: EXT1 (exostosin glycosyltransferase 1; minus strand). Cytogenetic location: 8q24.11.
Variant type: Duplication.
Coding change: c.533_534dup on transcript NM_000127.3 (MANE Select); coding-DNA positions 533 to 534, 2 bases duplicated (TG; older notation c.533_534dupTG).
Protein change: p.Gln179fs; shifts the reading frame from glutamine 179.
Molecular consequence: frameshift variant.
Genome position (GRCh38, 1-based): chr8:118,110,513-118,110,514, CA duplicated on the plus strand (TG on the coding strand, the reverse complement: EXT1 is on the minus strand); duplicating any 2 consecutive bases within chr8:118,110,513-118,110,515 gives the same sequence; the c. name uses the placement nearest the transcript's 3' end. VCF-style (leftmost placement, unchanged base first): chr8-118110512-G-GCA. GRCh37 (hg19) VCF-style: chr8-119122751-G-GCA.
Other names: c.533_534dupTG (NM_000127.2); short protein forms Q179fs.
Identifiers: ClinVar variation 526299 (VCV000526299.6), dbSNP rs1554601525, ClinGen allele CA658797142.